The following is an entry in ClinVar:

NM_024411.5(PDYN):c.154G>A (p.Ala52Thr)

Genes: PDYN (prodynorphin; minus strand), PDYN-AS1 (PDYN antisense RNA 1; plus strand). Cytogenetic location: 20p13.
Variant type: single nucleotide variant.
Coding change: c.154G>A on transcript NM_024411.5 (MANE Select); coding-DNA position 154, G replaced by A.
Protein change: p.Ala52Thr; replaces alanine 52 with threonine.
Molecular consequence: missense variant.
Genome position (GRCh38, 1-based): chr20:1,980,934, C>T on the plus strand (G>A on the coding strand, the complement: PDYN is on the minus strand). VCF-style: chr20-1980934-C-T. GRCh37 (hg19) VCF-style: chr20-1961580-C-T.
Other names: c.154G>A, p.Ala52Thr (NM_001190892.1, NM_001190898.3, NM_001190899.2 and 1 more transcripts); short protein forms A52T.
Identifiers: ClinVar variation 1982741 (VCV001982741.4), dbSNP rs781650898, ClinGen allele CA9730346.

ClinVar aggregate classification (germline): Uncertain significance (1 of 4 stars; one submission).

Allele frequency attached by ClinVar (database versions not stated): gnomAD 0.00001.

Submission:

Labcorp Genetics (formerly Invitae), Labcorp
Classification: Uncertain significance. Last evaluated: 2022-03-04. Review status: criteria provided, single submitter. Criteria: Invitae Variant Classification Sherloc (09022015). Collection method: clinical testing. Allele origin: germline.
Comment: The frequency data for this variant in the population databases is considered unreliable, as metrics indicate poor data quality at this position in the gnomAD database. In summary, the available evidence is currently insufficient to determine the role of this variant in disease. Therefore, it has been classified as a Variant of Uncertain Significance. Algorithms developed to predict the effect of missense changes on protein structure and function output the following: SIFT: "Tolerated"; PolyPhen-2: "Benign"; Align-GVGD: "Class C0". The threonine amino acid residue is found in multiple mammalian species, which suggests that this missense change does not adversely affect protein function. This variant has not been reported in the literature in individuals affected with PDYN-related conditions. This sequence change replaces alanine, which is neutral and non-polar, with threonine, which is neutral and polar, at codon 52 of the PDYN protein (p.Ala52Thr).